The following is an entry in ClinVar:

ClinVar aggregate classification (germline): Uncertain significance (1 of 4 stars; one submission).

Allele frequency attached by ClinVar (database versions not stated): ExAC 0.00001; gnomAD 0.00001; gnomAD exomes 0.00001 and 0.00002.

Submission:

Labcorp Genetics (formerly Invitae), Labcorp
Classification: Uncertain significance. Last evaluated: 2022-06-20. Review status: criteria provided, single submitter. Criteria: Invitae Variant Classification Sherloc (09022015). Collection method: clinical testing. Allele origin: germline.
Comment: In summary, the available evidence is currently insufficient to determine the role of this variant in disease. Therefore, it has been classified as a Variant of Uncertain Significance. Algorithms developed to predict the effect of missense changes on protein structure and function are either unavailable or do not agree on the potential impact of this missense change (SIFT: "Deleterious"; PolyPhen-2: "Probably Damaging"; Align-GVGD: "Class C0"). This variant has not been reported in the literature in individuals affected with SON-related conditions. This variant is present in population databases (rs763573035, gnomAD 0.002%). This sequence change replaces proline, which is neutral and non-polar, with histidine, which is basic and polar, at codon 564 of the SON protein (p.Pro564His).

NM_138927.4(SON):c.1691C>A (p.Pro564His)

Gene: SON (SON DNA and RNA binding protein; plus strand). Cytogenetic location: 21q22.11.
Variant type: single nucleotide variant.
Coding change: c.1691C>A on transcript NM_138927.4 (MANE Select); coding-DNA position 1691, C replaced by A.
Protein change: p.Pro564His; replaces proline 564 with histidine.
Molecular consequence: missense variant. On other transcripts: non-coding transcript variant (1), intron variant (1).
Genome position (GRCh38, 1-based): chr21:33,550,922, C>A. VCF-style: chr21-33550922-C-A. GRCh37 (hg19) VCF-style: chr21-34923228-C-A.
Other names: c.244+4543C>A (NM_001291412.3); c.1691C>A, p.Pro564His (NM_001291411.2, NM_032195.3); short protein forms P564H.
Identifiers: ClinVar variation 1356438 (VCV001356438.6), dbSNP rs763573035, ClinGen allele CA10008958.
Genomic context (GRCh38, chr21:33,550,922, plus strand): 5'-TGGTGCTGGAGTTGCCAGGACAGCCAGTGGCAACGACAGCGCTGGAGTTGCCGGGGCAGC[C>A]TTCGGTGACTGGGGTGCCAGAGTTGCCAGGGCTGCCTTCGGCAACTAGGGCACTGGAGTT-3'
Protein context (NP_620305.3, residues 554-574): ATTALELPGQ[Pro564His]SVTGVPELPG